The following is an entry in ClinVar:

ClinVar aggregate classification (germline): Uncertain significance (1 of 4 stars; one submission).

Conditions:
Nephronophthisis. Also called: Juvenile Nephronophthisis. Identifiers: Orphanet 655, MedGen C0687120, MONDO:0019005, HP:0000090.

Allele frequency attached by ClinVar (database versions not stated): gnomAD exomes below 0.00001.
gnomAD v4.1: 1 of 1,613,492 alleles (0.000062%); highest among the groups gnomAD compares: Non-Finnish European, 0.000085%; no homozygotes.

Submission:

Labcorp Genetics (formerly Invitae), Labcorp
Classification: Uncertain significance for Nephronophthisis. Last evaluated: 2024-02-23. Review status: criteria provided, single submitter. Criteria: Invitae Variant Classification Sherloc (09022015). Collection method: clinical testing. Allele origin: germline.
Comment: This sequence change replaces tryptophan, which is neutral and slightly polar, with arginine, which is basic and polar, at codon 190 of the NPHP1 protein (p.Trp190Arg). This variant is not present in population databases (gnomAD no frequency). This variant has not been reported in the literature in individuals affected with NPHP1-related conditions. ClinVar contains an entry for this variant (Variation ID: 1022244). Advanced modeling of protein sequence and biophysical properties (such as structural, functional, and spatial information, amino acid conservation, physicochemical variation, residue mobility, and thermodynamic stability) performed at Invitae indicates that this missense variant is expected to disrupt NPHP1 protein function with a positive predictive value of 80%. In summary, the available evidence is currently insufficient to determine the role of this variant in disease. Therefore, it has been classified as a Variant of Uncertain Significance.

NM_001128178.3(NPHP1):c.568T>C (p.Trp190Arg)

Gene: NPHP1 (nephrocystin 1; minus strand). Cytogenetic location: 2q13.
Variant type: single nucleotide variant.
Coding change: c.568T>C on transcript NM_001128178.3 (MANE Select); coding-DNA position 568, T replaced by C.
Protein change: p.Trp190Arg; replaces tryptophan 190 with arginine.
Molecular consequence: missense variant.
Genome position (GRCh38, 1-based): chr2:110,168,508, A>G on the plus strand (T>C on the coding strand, the complement: NPHP1 is on the minus strand). VCF-style: chr2-110168508-A-G. GRCh37 (hg19) VCF-style: chr2-110926085-A-G.
Other names: c.568T>C, p.Trp190Arg (NM_000272.5, NM_001374256.1, NM_001374257.1 and 1 more transcripts); c.382T>C, p.Trp128Arg (NM_001128179.3); short protein forms W128R, W190R.
Identifiers: ClinVar variation 1022244 (VCV001022244.8), dbSNP rs1682877562, ClinGen allele CA348092659.